The following is an entry in ClinVar:

NM_004667.6(HERC2):c.8842G>T (p.Ala2948Ser)

Gene: HERC2 (HECT and RLD domain containing E3 ubiquitin protein ligase 2; minus strand). Cytogenetic location: 15q13.1.
Variant type: single nucleotide variant.
Coding change: c.8842G>T on transcript NM_004667.6 (MANE Select); coding-DNA position 8842, G replaced by T.
Protein change: p.Ala2948Ser; replaces alanine 2948 with serine.
Molecular consequence: missense variant.
Genome position (GRCh38, 1-based): chr15:28,182,496, C>A on the plus strand (G>T on the coding strand, the complement: HERC2 is on the minus strand). VCF-style: chr15-28182496-C-A. GRCh37 (hg19) VCF-style: chr15-28427642-C-A.
Other names: c.8842G>T (NM_004667.4); short protein forms A2948S.
Identifiers: ClinVar variation 1810567 (VCV001810567.4), dbSNP rs185388345, ClinGen allele CA7441354.

ClinVar aggregate classification (germline): Uncertain significance. Review status: criteria provided, multiple submitters, no conflicts (2 of 4 stars). 2 submissions from 2 submitters: Uncertain significance (2). Last evaluated 2023-01-03.

Conditions:
Inborn genetic diseases. Identifiers: MedGen C0950123, MeSH D030342.

Allele frequency attached by ClinVar (database versions not stated): gnomAD 0.00022; TOPMed 0.00023; 1000 Genomes Project 30x 0.00047; 1000 Genomes Project 0.00060.
gnomAD v4.1: 83 of 1,612,734 alleles (0.0051%); highest among the groups gnomAD compares: African/African-American, 0.09%; no homozygotes.

Submissions (2):

GeneDx
Classification: Uncertain significance. Last evaluated: 2023-01-03. Review status: criteria provided, single submitter. Criteria: GeneDx Variant Classification Process June 2021. Collection method: clinical testing. Allele origin: germline. Affected: yes.
Comment: In silico analysis supports that this missense variant does not alter protein structure/function; Has not been previously published as pathogenic or benign to our knowledge

Ambry Genetics
Classification: Uncertain significance for Inborn genetic diseases. Last evaluated: 2021-12-15. Review status: criteria provided, single submitter. Criteria: Ambry Variant Classification Scheme 2023. Collection method: clinical testing. Allele origin: germline.